The following is an entry in ClinVar:

NM_002528.7(NTHL1):c.164G>C (p.Arg55Thr)

Gene: NTHL1 (nth like DNA glycosylase 1; minus strand). Cytogenetic location: 16p13.3.
Variant type: single nucleotide variant.
Coding change: c.164G>C on transcript NM_002528.7 (MANE Select); coding-DNA position 164, G replaced by C.
Protein change: p.Arg55Thr; replaces arginine 55 with threonine.
Molecular consequence: missense variant. On other transcripts: 5 prime UTR variant (1).
Genome position (GRCh38, 1-based): chr16:2,046,318, C>G on the plus strand (G>C on the coding strand, the complement: NTHL1 is on the minus strand). VCF-style: chr16-2046318-C-G. GRCh37 (hg19) VCF-style: chr16-2096319-C-G.
Other names: c.164G>C, p.Arg55Thr (NM_001318193.2); c.-15G>C (NM_001318194.2); short protein forms R55T.
Identifiers: ClinVar variation 5025893 (VCV005025893.1).
Genomic context (GRCh38, chr16:2,046,318, plus strand): 5'-TTGAGGGGCTCAGCCCCCTCACCTTTCTCACTGTCCGAGCCCTCATAGGCCACACGCAGT[C>G]TCTGTGCTTTCCGCGGACGCTTCACGGGGCTGTGGCTTTTCCTCGCTTCTGCAAAAAGCA-3'
Protein context (NP_002519.2, residues 45-65): SPVKRPRKAQ[Arg55Thr]LRVAYEGSDS

ClinVar aggregate classification (germline): Uncertain significance (1 of 4 stars; one submission).

Conditions:
Hereditary cancer-predisposing syndrome. Also called: Neoplastic Syndromes, Hereditary; Tumor predisposition; Hereditary neoplastic syndrome; Hereditary Cancer Syndrome. Identifiers: Orphanet 140162, MedGen C0027672, MeSH D009386, MONDO:0015356.

Submission:

Ambry Genetics
Classification: Uncertain significance for Hereditary cancer-predisposing syndrome. Last evaluated: 2026-07-06. Review status: criteria provided, single submitter. Criteria: Ambry Variant Classification Scheme 2023. Collection method: clinical testing. Allele origin: germline.
Comment: The p.R63T variant (also known as c.188G>C), located in coding exon 2 of the NTHL1 gene, results from a G to C substitution at nucleotide position 188. The arginine at codon 63 is replaced by threonine, an amino acid with similar properties. This amino acid position is conserved. In addition, this alteration is predicted to be tolerated by in silico analysis. Based on the available evidence, the clinical significance of this variant remains unclear.